The following is an entry in ClinVar:

ClinVar aggregate classification (germline): Pathogenic/Likely pathogenic. Review status: criteria provided, multiple submitters, no conflicts (2 of 4 stars). 6 submissions from 6 submitters: Pathogenic (2); Likely pathogenic (3). 1 of the submissions does not count toward it. Last evaluated 2025-06-12.

Conditions:
Classic or attenuated familial adenomatous polyposis. Identifiers: MedGen CN372698, MONDO:0021057.
Hereditary cancer-predisposing syndrome. Also called: Tumor predisposition; Hereditary neoplastic syndrome; Neoplastic Syndromes, Hereditary; Hereditary Cancer Syndrome. Identifiers: Orphanet 140162, MedGen C0027672, MeSH D009386, MONDO:0015356.
Familial multiple polyposis syndrome (FAP). Also called: Familial intestinal polyposis; Familial polyposis; Classic familial adenomatous polyposis; Familial Adenomatous Polyposis (FAP); Familial adenomatous polyposis. Identifiers: Orphanet 733, MedGen C0032580, MONDO:0021055. Disease mechanism: loss of function.
Familial adenomatous polyposis 1 (FAP1). Also called: FAMILIAL ADENOMATOUS POLYPOSIS 1, ATTENUATED; POLYPOSIS, ADENOMATOUS INTESTINAL. Identifiers: MedGen C2713442, MONDO:0021056, OMIM 175100. Disease mechanism: loss of function.

Allele frequency attached by ClinVar (database versions not stated): TOPMed below 0.00001.
gnomAD v4.1: 1 of 1,608,192 alleles (0.000062%); no homozygotes.

Submissions (6):

Women's Health and Genetics/Laboratory Corporation of America, LabCorp
Classification: Pathogenic for Familial multiple polyposis syndrome. Last evaluated: 2025-06-12. Review status: criteria provided, single submitter. Criteria: LabCorp Variant Classification Summary - May 2015. Collection method: clinical testing. Allele origin: germline.
Comment: Variant summary: APC c.933+2T>C is located in a canonical splice-site and is predicted to affect mRNA splicing resulting in a significantly altered protein due to either exon skipping, shortening, or inclusion of intronic material. Variants that disrupt the consensus splice site are a relatively common cause of aberrant splicing and loss of APC function. Several computational tools predict a significant impact on normal splicing: Three predict the variant abolishes a 5' splicing donor site. Studies have shown that disruption of this splice site is associated with altered splicing resulting in unknown protein product impact (PMID: 15459959, Internal Data). The variant was absent in 251050 control chromosomes. c.933+2T>C has been observed in multiple individuals affected with Familial Adenomatous Polyposis (Aretz_2004, Inra_2015, Cruz-Correa_2013). These data indicate that the variant is very likely to be associated with disease. To our knowledge, no experimental evidence demonstrating an impact on protein function has been reported. The following publications have been ascertained in the context of this evaluation (PMID: 15459959, 23460355, 25590978). ClinVar contains an entry for this variant (Variation ID: 371831). Based on the evidence outlined above, the variant was classified as pathogenic.

Labcorp Genetics (formerly Invitae), Labcorp
Classification: Likely pathogenic for Familial adenomatous polyposis 1. Last evaluated: 2025-05-28. Review status: criteria provided, single submitter. Criteria: Invitae Variant Classification Sherloc (09022015). Collection method: clinical testing. Allele origin: germline.
Comment: This sequence change affects a donor splice site in intron 9 of the APC gene. It is expected to disrupt RNA splicing. Variants that disrupt the donor or acceptor splice site typically lead to a loss of protein function (PMID: 16199547), and loss-of-function variants in APC are known to be pathogenic (PMID: 17963004, 20685668). This variant is not present in population databases (gnomAD no frequency). Disruption of this splice site has been observed in individuals with familial adenomatous polyposis (PMID: 15459959, 20685668; internal data). ClinVar contains an entry for this variant (Variation ID: 371831). Studies have shown that disruption of this splice site is associated with altered splicing resulting in unknown protein product impact (PMID: 15459959; internal data). In summary, the currently available evidence indicates that the variant is pathogenic, but additional data are needed to prove that conclusively. Therefore, this variant has been classified as Likely Pathogenic.

All of Us Research Program, National Institutes of Health
Classification: Likely pathogenic for Classic or attenuated familial adenomatous polyposis. Last evaluated: 2024-07-10. Review status: criteria provided, single submitter. Criteria: ACMG Guidelines, 2015. Collection method: clinical testing. Allele origin: germline. Inheritance: Autosomal dominant inheritance. Observed: 1 variant allele, 1 heterozygote.
Comment: This variant causes a T to C nucleotide substitution at the +2 position of intron 9 of the APC gene. Splice site prediction tools predict that this variant may have a significant impact on RNA splicing. An RNA study demonstrated that the variant did not cause aberrant fragment formation as measured by RT-PCR (PMID: 15459959). However, abnormal RNA splicing has been observed in a set of samples tested (Ambry Genetics; ClinVar SCV000579785.6). This variant has been reported in multiple individuals affected with or suspected of familial adenomatous polyposis (PMID: 15459959, 20223039, 20685668). This variant has not been identified in the general population by the Genome Aggregation Database (gnomAD). This variant creates an alternative donor site beginning with a GC dinucleotide. Some GC variant donor sites have been shown to generate variable levels of wild-type transcript (PMID: 31131953). Hence, this variant could be less penetrant than a conventional splice donor site loss variant. Different variants affecting the same splice donor site, c.933+1G>A, c.933+2T>A, and c.933+2T>G, are described as disease-causing (ClinVar variation ID: 233970, 1482958, 823172). Loss of APC function is a known mechanism of disease. Based on the available evidence, this variant is classified as Likely Pathogenic.

This study involves interpretation of variants in research participants for the purpose of population health screening. Participant phenotype was not available at the time of variant classification. Additional details can be found in publication PMID: 35346344, PMCID: PMC8962531

Ambry Genetics
Classification: Pathogenic for Hereditary cancer-predisposing syndrome. Last evaluated: 2023-05-18. Review status: criteria provided, single submitter. Criteria: Ambry Variant Classification Scheme 2023. Collection method: clinical testing. Allele origin: germline.
Comment: The c.933+2T>C intronic variant results from a T to C substitution two nucleotides after coding exon 8 in the APC gene. This alteration has been reported in many families with classic familial adenomatous polyposis (FAP) and segregates with disease in multiple families (Ambry internal data; Aretz et al. Human Mutat. 2004 Nov;24(5):370-80; Lagarde A et al. J. Med. Genet. 2010 Oct;47:721-2; Kerr SE et al. J. Mol. Diagn. 2013 Jan;15(1):31-43). This nucleotide position is highly conserved in available vertebrate species. In silico splice site analysis predicts that this alteration will weaken the native splice donor site. No aberrant splicing was observed by one reported mRNA transcript analysis (Aretz et al. Human Mutat. 2004 Nov;24(5):370-80). However, internal RNA studies have demonstrated that this alteration results in abnormal splicing in the set of samples tested (Ambry internal data). Alterations that disrupt the canonical splice site are expected to cause aberrant splicing, resulting in an abnormal protein or a transcript that is subject to nonsense-mediated mRNA decay. Based on the supporting evidence, this alteration is interpreted as a disease-causing mutation.

Myriad Genetics, Inc.
Classification: Likely pathogenic for Familial adenomatous polyposis 1. Last evaluated: 2023-02-14. Review status: criteria provided, single submitter. Criteria: Myriad Autosomal Dominant, Autosomal Recessive and X-Linked Classification Criteria (2023). Collection method: clinical testing. Allele origin: unknown.
Comment: This variant is considered likely pathogenic. This variant occurs within a consensus splice junction and is predicted to result in abnormal mRNA splicing of either an out-of-frame exon or an in-frame exon necessary for protein stability and/or normal function.

Counsyl
Classification: Likely pathogenic for Familial adenomatous polyposis 1. Last evaluated: 2016-03-18. Review status: no assertion criteria provided. Collection method: clinical testing. Allele origin: unknown. Not counted in ClinVar's aggregate classification.

Literature cited by the submitters: PubMed 15459959 (cited by 4 submitters); PubMed 25590978 (cited by Women's Health and Genetics/Laboratory Corporation of America, LabCorp); PubMed 23460355 (cited by Women's Health and Genetics/Laboratory Corporation of America, LabCorp); PubMed 16199547 (cited by Labcorp Genetics (formerly Invitae), Labcorp); PubMed 17963004 (cited by Labcorp Genetics (formerly Invitae), Labcorp); PubMed 20685668 (cited by 4 submitters); PubMed 20223039 (cited by All of Us Research Program, National Institutes of Health and Counsyl); PubMed 31131953 (cited by All of Us Research Program, National Institutes of Health); PubMed 23159591 (cited by Ambry Genetics and Counsyl).

NM_000038.6(APC):c.933+2T>C

Gene: APC (APC regulator of Wnt signaling pathway; plus strand). Cytogenetic location: 5q22.2.
Variant type: single nucleotide variant.
Coding change: c.933+2T>C on transcript NM_000038.6 (MANE Select); the canonical splice donor site of the intron after coding-DNA position 933, T replaced by C.
Molecular consequence: splice donor variant.
Genome position (GRCh38, 1-based): chr5:112,815,595, T>C. VCF-style: chr5-112815595-T-C. GRCh37 (hg19) VCF-style: chr5-112151292-T-C.
Other names: c.84+2T>C (NM_001407470.1, NM_001407472.1, NM_001354906.2 and 1 more transcripts); c.933+2T>C (NM_001407447.1, NM_001354895.2, NM_001407456.1 and 12 more transcripts); c.849+2T>C (NM_001407452.1, NM_001407469.1, NM_001354899.2 and 1 more transcripts); c.963+2T>C (NM_001407446.1, NM_001354897.2, NM_001354902.2); c.879+2T>C (NM_001127511.3); c.756+2T>C (NM_001407453.1, NM_001354900.2, NM_001354901.2 and 1 more transcripts); c.858+2T>C (NM_001407451.1, NM_001354898.2, NM_001354904.2).
Identifiers: ClinVar variation 371831 (VCV000371831.20), dbSNP rs1057517559, ClinGen allele CA16042089.
Genomic context (GRCh38, chr5:112,815,595, plus strand): 5'-TGAGTTCTAGTAGCACACACTCTGCACCTCGAAGGCTGACAAGTCATCTGGGAACCAAGG[T>C]AACAGAAGATTACAAACCCTGGTCACTAATGCCATGACTACTTTGCTAAGACATTCTTGG-3'